The following is an entry in ClinVar:

ClinVar aggregate classification (germline): Uncertain significance (1 of 4 stars; one submission).

Conditions:
Progressive myoclonic epilepsy type 7. Identifiers: Orphanet 435438, MedGen C4015420, MONDO:0014521, OMIM 616187.

Submission:

Labcorp Genetics (formerly Invitae), Labcorp
Classification: Uncertain significance for Progressive myoclonic epilepsy type 7. Last evaluated: 2022-09-19. Review status: criteria provided, single submitter. Criteria: Invitae Variant Classification Sherloc (09022015). Collection method: clinical testing. Allele origin: germline.
Comment: In summary, the available evidence is currently insufficient to determine the role of this variant in disease. Therefore, it has been classified as a Variant of Uncertain Significance. Advanced modeling of protein sequence and biophysical properties (such as structural, functional, and spatial information, amino acid conservation, physicochemical variation, residue mobility, and thermodynamic stability) performed at Invitae indicates that this missense variant is not expected to disrupt KCNC1 protein function. This variant has not been reported in the literature in individuals affected with KCNC1-related conditions. This variant is not present in population databases (gnomAD no frequency). This sequence change replaces lysine, which is basic and polar, with glutamine, which is neutral and polar, at codon 458 of the KCNC1 protein (p.Lys458Gln).

NM_001112741.2(KCNC1):c.1372A>C (p.Lys458Gln)

Gene: KCNC1 (potassium voltage-gated channel subfamily C member 1; plus strand). Cytogenetic location: 11p15.1.
Variant type: single nucleotide variant.
Coding change: c.1372A>C on transcript NM_001112741.2 (MANE Select); coding-DNA position 1372, A replaced by C.
Protein change: p.Lys458Gln; replaces lysine 458 with glutamine.
Molecular consequence: missense variant.
Genome position (GRCh38, 1-based): chr11:17,772,466, A>C. VCF-style: chr11-17772466-A-C. GRCh37 (hg19) VCF-style: chr11-17794013-A-C.
Other names: c.1372A>C, p.Lys458Gln (NM_004976.4); short protein forms K458Q.
Identifiers: ClinVar variation 1999522 (VCV001999522.4), dbSNP rs2497801429, ClinGen allele CA379809918.